The following is an entry in ClinVar:

NM_000465.4(BARD1):c.1444del (p.Gln482fs)

Gene: BARD1 (BRCA1 associated RING domain 1; minus strand). Cytogenetic location: 2q35.
Variant type: Deletion.
Coding change: c.1444del on transcript NM_000465.4 (MANE Select); coding-DNA position 1444, one base deleted (C; older notation c.1444delC).
Protein change: p.Gln482fs; shifts the reading frame from glutamine 482.
Molecular consequence: frameshift variant. On other transcripts: non-coding transcript variant (3), intron variant (3).
Genome position (GRCh38, 1-based): chr2:214,767,606, G deleted on the plus strand (C on the coding strand, the reverse complement: BARD1 is on the minus strand); the first of 2 consecutive G bases (chr2:214,767,606-214,767,607); deleting either gives the same sequence. VCF-style (leftmost placement, unchanged base first): chr2-214767605-TG-T. GRCh37 (hg19) VCF-style: chr2-215632329-TG-T.
Other names: c.1387del, p.Gln463fs (NM_001282543.2); c.159-15051del (NM_001282548.2); c.216-15051del (NM_001282545.2); c.364+24691del (NM_001282549.2); short protein forms Q463fs, Q482fs.
Identifiers: ClinVar variation 2583328 (VCV002583328.2), dbSNP rs2469444065, ClinGen allele CA2582342135.
Genomic context (GRCh38, chr2:214,767,605, plus strand): 5'-GCTGCATCGTGAAGTGGTGAGTCATTTTGATACCCGGTGGTGTTCACCAATGCCTTATGC[TG>T]GAGCAATAATTCCACTACCTTCAGGTGCCCATGATTGCAAGCTTCATGCTAATTAAATTT-3'

ClinVar aggregate classification (germline): Pathogenic (1 of 4 stars; one submission).

Conditions:
Familial cancer of breast. Also called: Hereditary breast cancer; BREAST CANCER, FAMILIAL; hereditary breast carcinoma. Identifiers: Orphanet 227535, MedGen C0346153, MONDO:0016419, OMIM 114480. Disease mechanism: loss of function.

Submission:

Myriad Genetics, Inc.
Classification: Pathogenic for Familial cancer of breast. Last evaluated: 2023-05-23. Review status: criteria provided, single submitter. Criteria: Myriad Autosomal Dominant, Autosomal Recessive and X-Linked Classification Criteria (2023). Collection method: clinical testing. Allele origin: unknown.
Comment: This variant is considered pathogenic. This variant creates a frameshift predicted to result in premature protein truncation.